The following is an entry in ClinVar:

ClinVar aggregate classification (germline): Uncertain significance. Review status: criteria provided, multiple submitters, no conflicts (2 of 4 stars). 2 submissions from 2 submitters: Uncertain significance (2). Last evaluated 2024-06-24.

Conditions:
Inborn genetic diseases. Identifiers: MedGen C0950123, MeSH D030342.
Dyskeratosis congenita, autosomal dominant 6 (DKCA6). Identifiers: Orphanet 3322, MedGen C4225284, MONDO:0014690, OMIM 616553.

Submissions (2):

Ambry Genetics
Classification: Uncertain significance for Inborn genetic diseases. Last evaluated: 2024-06-24. Review status: criteria provided, single submitter. Criteria: Ambry Variant Classification Scheme 2023. Collection method: clinical testing. Allele origin: germline.
Comment: The p.E59G variant (also known as c.176A>G), located in coding exon 1 of the ACD gene, results from an A to G substitution at nucleotide position 176. The glutamic acid at codon 59 is replaced by glycine, an amino acid with similar properties. This amino acid position is conserved. In addition, this alteration is predicted to be tolerated by in silico analysis. Since supporting evidence is limited at this time, the clinical significance of this alteration remains unclear.

Labcorp Genetics (formerly Invitae), Labcorp
Classification: Uncertain significance for Dyskeratosis congenita, autosomal dominant 6. Last evaluated: 2023-07-20. Review status: criteria provided, single submitter. Criteria: Invitae Variant Classification Sherloc (09022015). Collection method: clinical testing. Allele origin: germline.
Comment: This sequence change replaces glutamic acid, which is acidic and polar, with glycine, which is neutral and non-polar, at codon 59 of the ACD protein (p.Glu59Gly). This variant is present in population databases (no rsID available, gnomAD 0.001%). This variant has not been reported in the literature in individuals affected with ACD-related conditions. ClinVar contains an entry for this variant (Variation ID: 1779753). An algorithm developed to predict the effect of missense changes on protein structure and function (PolyPhen-2) suggests that this variant is likely to be tolerated. In summary, the available evidence is currently insufficient to determine the role of this variant in disease. Therefore, it has been classified as a Variant of Uncertain Significance.

NC_000016.10:g.67660303T>C

Gene: ACD (ACD shelterin complex subunit and telomerase recruitment factor; minus strand). Cytogenetic location: 16q22.1.
Variant type: single nucleotide variant.
Genome position: GRCh38 VCF-style: chr16-67660303-T-C. GRCh37 (hg19) VCF-style: chr16-67694206-T-C.
Other names: short protein forms E59G.
Identifiers: ClinVar variation 1779753 (VCV001779753.7), dbSNP rs756596405, ClinGen allele CA283218807.